The following is an entry in ClinVar:

ClinVar aggregate classification (germline): Uncertain significance (1 of 4 stars; one submission).

Conditions:
Candidiasis, familial, 6 (CANDF6). Also called: Candidiasis, familial, 6, autosomal dominant. Identifiers: Orphanet 1334, MedGen C3151405, MONDO:0013503, OMIM 613956.

Allele frequency attached by ClinVar (database versions not stated): gnomAD exomes 0.00001 and 0.00002; gnomAD 0.00002; TOPMed 0.00002.
gnomAD v4.1: 27 of 1,613,042 alleles (0.0017%); highest among the groups gnomAD compares: Middle Eastern, 0.016%; no homozygotes.

Submission:

Labcorp Genetics (formerly Invitae), Labcorp
Classification: Uncertain significance for Candidiasis, familial, 6. Last evaluated: 2026-01-08. Review status: criteria provided, single submitter. Criteria: Invitae Variant Classification Sherloc (09022015). Collection method: clinical testing. Allele origin: germline.
Comment: This sequence change replaces serine, which is neutral and polar, with cysteine, which is neutral and slightly polar, at codon 138 of the IL17F protein (p.Ser138Cys). This variant is present in population databases (no rsID available, gnomAD 0.0009%). This variant has not been reported in the literature in individuals affected with IL17F-related conditions. ClinVar contains an entry for this variant (Variation ID: 842739). An algorithm developed to predict the effect of missense changes on protein structure and function (PolyPhen-2) suggests that this variant is likely to be disruptive. In summary, the available evidence is currently insufficient to determine the role of this variant in disease. Therefore, it has been classified as a Variant of Uncertain Significance.

NM_052872.4(IL17F):c.413C>G (p.Ser138Cys)

Gene: IL17F (interleukin 17F; minus strand). Cytogenetic location: 6p12.2.
Variant type: single nucleotide variant.
Coding change: c.413C>G on transcript NM_052872.4 (MANE Select); coding-DNA position 413, C replaced by G.
Protein change: p.Ser138Cys; replaces serine 138 with cysteine.
Molecular consequence: missense variant.
Genome position (GRCh38, 1-based): chr6:52,237,010, G>C on the plus strand (C>G on the coding strand, the complement: IL17F is on the minus strand). VCF-style: chr6-52237010-G-C. GRCh37 (hg19) VCF-style: chr6-52101808-G-C.
Other names: short protein forms S138C.
Identifiers: ClinVar variation 842739 (VCV000842739.10), dbSNP rs1173562555, ClinGen allele CA364444377.